The following is an entry in ClinVar:

ClinVar aggregate classification (germline): Conflicting classifications of pathogenicity. Review status: criteria provided, conflicting classifications (1 of 4 stars). 2 submissions from 2 submitters: Uncertain significance (1); Likely benign (1). Last evaluated 2026-03-26.

Conditions:
CEP164-related disorder. Also called: CEP164-related condition.
Nephronophthisis 15 (NPHP15). Identifiers: Orphanet 3156, MedGen C3541853, MONDO:0013917, OMIM 614845.

gnomAD v4.1: 19 of 1,613,824 alleles (0.0012%); highest among the groups gnomAD compares: Middle Eastern, 0.016%; no homozygotes.

Submissions (2):

PreventionGenetics, part of Exact Sciences
Classification: Uncertain significance for CEP164-related condition. Last evaluated: 2026-03-26. Review status: criteria provided, single submitter. Criteria: ACMG Guidelines, 2015. Collection method: clinical testing. Allele origin: germline.
Comment: The CEP164 c.3748+7G>C variant is predicted to interfere with splicing. This variant is predicted to impact splicing based on available splicing prediction programs (SpliceAI, Jaganathan et al. 2019. PubMed ID: 30661751). To our knowledge, this variant has not been reported in the literature. This variant is reported in 0.0080% of alleles in individuals of African descent in gnomAD. At this time, the clinical significance of this variant is uncertain due to the absence of conclusive functional and genetic evidence.

Labcorp Genetics (formerly Invitae), Labcorp
Classification: Likely benign for Nephronophthisis 15. Last evaluated: 2025-02-27. Review status: criteria provided, single submitter. Criteria: Invitae Variant Classification Sherloc (09022015). Collection method: clinical testing. Allele origin: germline.

NM_014956.5(CEP164):c.3748+7G>C

Gene: CEP164 (centrosomal protein 164; plus strand). Cytogenetic location: 11q23.3.
Variant type: single nucleotide variant.
Coding change: c.3748+7G>C on transcript NM_014956.5 (MANE Select); 7 bases into the intron after coding-DNA position 3748, G replaced by C.
Molecular consequence: intron variant.
Genome position (GRCh38, 1-based): chr11:117,409,035, G>C. VCF-style: chr11-117409035-G-C. GRCh37 (hg19) VCF-style: chr11-117279751-G-C.
Other names: c.3748+7G>C (NM_014956.4); c.3733+31G>C (NM_001271933.2).
Identifiers: ClinVar variation 1634545 (VCV001634545.9), dbSNP rs767096820, ClinGen allele CA6295554.